The following is an entry in ClinVar:

ClinVar aggregate classification (germline): Uncertain significance (1 of 4 stars; one submission).

Conditions:
Intellectual disability, autosomal recessive 53 (NEDHSCA). Also called: NEURODEVELOPMENTAL DISORDER WITH OR WITHOUT HYPOTONIA, SEIZURES, AND CEREBELLAR ATROPHY; GLYCOSYLPHOSPHATIDYLINOSITOL BIOSYNTHESIS DEFECT 13; Mental retardation, autosomal recessive 53. Identifiers: Orphanet 488635, MedGen C4310794, MONDO:0014832, OMIM 616917.

gnomAD v4.1: 7 of 1,614,070 alleles (0.00043%); highest among the groups gnomAD compares: East Asian, 0.0067%; no homozygotes.

Submission:

Labcorp Genetics (formerly Invitae), Labcorp
Classification: Uncertain significance for Intellectual disability, autosomal recessive 53. Last evaluated: 2021-08-22. Review status: criteria provided, single submitter. Criteria: Invitae Variant Classification Sherloc (09022015). Collection method: clinical testing. Allele origin: germline.
Comment: This sequence change replaces alanine with valine at codon 725 of the PIGG protein (p.Ala725Val). The alanine residue is moderately conserved and there is a small physicochemical difference between alanine and valine. This variant is not present in population databases (ExAC no frequency). This variant has not been reported in the literature in individuals affected with PIGG-related conditions. Algorithms developed to predict the effect of missense changes on protein structure and function are either unavailable or do not agree on the potential impact of this missense change (SIFT: "Deleterious"; PolyPhen-2: "Benign"; Align-GVGD: "Class C0"). In summary, the available evidence is currently insufficient to determine the role of this variant in disease. Therefore, it has been classified as a Variant of Uncertain Significance.

NM_001127178.3(PIGG):c.2174C>T (p.Ala725Val)

Gene: PIGG (phosphatidylinositol glycan anchor biosynthesis class G (EMM blood group); plus strand). Cytogenetic location: 4p16.3.
Variant type: single nucleotide variant.
Coding change: c.2174C>T on transcript NM_001127178.3 (MANE Select); coding-DNA position 2174, C replaced by T.
Protein change: p.Ala725Val; replaces alanine 725 with valine.
Molecular consequence: missense variant. On other transcripts: non-coding transcript variant (10).
Genome position (GRCh38, 1-based): chr4:527,143, C>T. VCF-style: chr4-527143-C-T. GRCh37 (hg19) VCF-style: chr4-520932-C-T.
Other names: c.1907C>T, p.Ala636Val (NM_001289051.2, NM_001345986.2); c.1775C>T, p.Ala592Val (NM_001289052.2); c.1883C>T, p.Ala628Val (NM_001345987.2); c.1145C>T, p.Ala382Val (NM_001345988.2); c.641C>T, p.Ala214Val (NM_001345990.2, NM_001345991.2); c.1076C>T, p.Ala359Val (NM_001345994.2); c.2150C>T, p.Ala717Val (NM_017733.5); short protein forms A359V, A592V, A628V, A717V, A214V, A382V, A725V, A636V.
Identifiers: ClinVar variation 1463967 (VCV001463967.3), dbSNP rs1471613469, ClinGen allele CA355908658.
Genomic context (GRCh38, chr4:527,143, plus strand): 5'-TCCTCGTAGTTTTTGTGCTGGTGCAGAGGGGGTGCTCCCCTGTGTCCAAGGCTGCCCTGG[C>T]GCTGGGGCTGCTGGGCGTCTACTGCTACCGGGCGGCCATCGGGAGTGTCCGGTTCCCGTG-3'
Protein context (NP_001120650.1, residues 715-735): GCSPVSKAAL[Ala725Val]LGLLGVYCYR